The following is an entry in ClinVar:

NM_000497.4(CYP11B1):c.648dup (p.Ser217fs)

Genes: CYP11B1 (cytochrome P450 family 11 subfamily B member 1; minus strand), LOC106799833 (CYP11B1 recombination region; plus strand). Cytogenetic location: 8q24.3.
Variant type: Duplication.
Coding change: c.648dup on transcript NM_000497.4 (MANE Select); coding-DNA position 648, one base duplicated (C; older notation c.648dupC).
Protein change: p.Ser217fs; shifts the reading frame from serine 217.
Molecular consequence: frameshift variant.
Genome position (GRCh38, 1-based): chr8:142,876,833, G duplicated on the plus strand (C on the coding strand, the reverse complement: CYP11B1 is on the minus strand); the first of 4 consecutive G bases (chr8:142,876,833-142,876,836); duplicating any one gives the same sequence. VCF-style (leftmost placement, unchanged base first): chr8-142876832-T-TG. GRCh37 (hg19) VCF-style: chr8-143958248-T-TG.
Other names: c.648dup, p.Ser217fs (NM_001026213.1); short protein forms S217fs.
Identifiers: ClinVar variation 5012311 (VCV005012311.1).

ClinVar aggregate classification (germline): Pathogenic (1 of 4 stars; one submission).

Conditions:
Deficiency of steroid 11-beta-monooxygenase (CYP11B1). Also called: ADRENAL HYPERPLASIA, CONGENITAL, DUE TO STEROID 11-BETA-HYDROXYLASE DEFICIENCY; 11-BETA-HYDROXYLASE DEFICIENCY; ADRENAL HYPERPLASIA IV; P450C11B1 DEFICIENCY; STEROID 11-BETA-HYDROXYLASE DEFICIENCY; Congenital adrenal hyperplasia due to 11-beta-hydroxylase deficiency. Identifiers: Orphanet 90795, MedGen C0268292, MONDO:0008729, OMIM 202010. Disease mechanism: loss of function.

Submission:

Myriad Genetics, Inc.
Classification: Pathogenic for Deficiency of steroid 11-beta-monooxygenase. Last evaluated: 2023-09-27. Review status: criteria provided, single submitter. Criteria: Myriad Autosomal Dominant, Autosomal Recessive and X-Linked Classification Criteria (2023). Collection method: clinical testing. Allele origin: unknown.
Comment: NM_000497.3(CYP11B1):c.648dupC(S217Qfs*42) is expected to be pathogenic in the context of congenital adrenal hyperplasia, CYP11B1-related. This variant is predicted to lead to an abnormal or absent protein product due to the creation of a premature termination codon in CYP11B1, a gene where loss-of-function variants are known to be pathogenic. Please note: this variant was assessed in the context of healthy population screening.